The following is an entry in ClinVar:

ClinVar aggregate classification (germline): Pathogenic. Review status: criteria provided, multiple submitters, no conflicts (2 of 4 stars). 4 submissions from 4 submitters: Pathogenic (3). 1 of the submissions does not count toward it. Last evaluated 2024-10-01.

Conditions:
Polycystic kidney disease, adult type (PKD1). Also called: POLYCYSTIC KIDNEY DISEASE, ADULT, TYPE I; Polycystic Kidney Disease 1, Autosomal Dominant; Polycystic kidney disease 1; Polycystic kidney disease 1, severe; Polycystic Kidney, Autosomal Dominant; POLYCYSTIC KIDNEY DISEASE 1 WITH OR WITHOUT POLYCYSTIC LIVER DISEASE. Identifiers: MedGen C3149841, MONDO:0008263, OMIM 173900.
PKD1-related disorder. Also called: PKD1-related condition.

Allele frequency attached by ClinVar (database versions not stated): gnomAD exomes below 0.00001.
gnomAD v4.1: 1 of 1,593,146 alleles (0.000063%); no homozygotes.

Submissions (4):

Blueprint Genetics
Classification: Pathogenic for PKD1-related disorders. Last evaluated: 2024-10-01. Review status: criteria provided, single submitter. Criteria: ACMG Guidelines, 2015. Collection method: clinical testing. Allele origin: germline. Affected: yes. Observed: 1 variant allele.

Diagnostics Services (NGS), CSIR - Centre For Cellular And Molecular Biology
Classification: Pathogenic for Polycystic kidney disease, adult type. Last evaluated: 2023-01-18. Review status: criteria provided, single submitter. Criteria: ACMG Guidelines, 2015. Collection method: clinical testing. Allele origin: unknown. Affected: yes. Observed: 1 variant allele, 1 heterozygote.
Comment: The c.5516G>A variant is not present in publicly available population databases like 1000 Genomes, ExAC, EVS, gnomAD, Indian Exome Database and our in-house exome database. The variant has neither been published nor reported to clinical databases like ClinVar, Human Genome Mutation Database (HGMD) or OMIM, in any affected individuals. In silico pathogenicity prediction programs like MutationTaster2, CADD, Varsome, Franklin, InterVar etc predicted this variant to be likely deleterious. This variant creates a premature translational stop signal at the 1839th amino acid position of the wild-type transcript that may either result in translation of a truncated protein or cause nonsense-mediated decay of the mRNA.

Juno Genomics, Hangzhou Juno Genomics, Inc
Classification: Pathogenic for Polycystic kidney disease, adult type. Review status: criteria provided, single submitter. Criteria: ACMG Guidelines, 2015. Collection method: clinical testing. Allele origin: germline. Affected: yes.
Comment: Null variant in a gene where loss of function (LOF) is a known mechanism of disease.;Absent from controls (or at extremely low frequency if recessive) in Genome Aggregation Database, Exome Sequencing Project, 1000 Genomes Project, or Exome Aggregation Consortium.;Patient's phenotype or family history is highly specific for a disease with a single genetic etiology.

PreventionGenetics, part of Exact Sciences
Classification: Pathogenic for PKD1-related condition. Last evaluated: 2023-12-22. Review status: no assertion criteria provided. Collection method: clinical testing. Allele origin: germline. Not counted in ClinVar's aggregate classification.
Comment: The PKD1 c.5516G>A variant is predicted to result in premature protein termination (p.Trp1839*). To our knowledge, this nucleotide change has not been reported in the literature, but the same early protein termination due to a different nucleotide substitution (c.5517G>A) has been reported to be pathogenic for autosomal dominant polycystic kidney disease (ADPKD) (Yu et al. 2022. PubMed ID: 35778421, Supplementary Table 1). This variant has not been reported in a large population database, indicating this variant is rare. Nonsense variants in PKD1 are expected to be pathogenic. This variant is interpreted as pathogenic.

NM_001009944.3(PKD1):c.5516G>A (p.Trp1839Ter)

Gene: PKD1 (polycystin 1, transient receptor potential channel interacting; minus strand). Cytogenetic location: 16p13.3.
Variant type: single nucleotide variant.
Coding change: c.5516G>A on transcript NM_001009944.3 (MANE Select); coding-DNA position 5516, G replaced by A.
Protein change: p.Trp1839Ter; replaces tryptophan 1839 with a stop codon.
Molecular consequence: nonsense.
Genome position (GRCh38, 1-based): chr16:2,109,651, C>T on the plus strand (G>A on the coding strand, the complement: PKD1 is on the minus strand). VCF-style: chr16-2109651-C-T. GRCh37 (hg19) VCF-style: chr16-2159652-C-T.
Other names: c.5516G>A, p.Trp1839Ter (NM_000296.4); short protein forms W1839*.
Identifiers: ClinVar variation 2429377 (VCV002429377.8), dbSNP rs2544811872, ClinGen allele CA394376526.